The following is an entry in ClinVar:

NM_006662.3(SRCAP):c.241G>C (p.Asp81His)

Gene: SRCAP (Snf2 related CREBBP activator protein; plus strand). Cytogenetic location: 16p11.2.
Variant type: single nucleotide variant.
Coding change: c.241G>C on transcript NM_006662.3 (MANE Select); coding-DNA position 241, G replaced by C.
Protein change: p.Asp81His; replaces aspartic acid 81 with histidine.
Molecular consequence: missense variant.
Genome position (GRCh38, 1-based): chr16:30,704,250, G>C. VCF-style: chr16-30704250-G-C. GRCh37 (hg19) VCF-style: chr16-30715571-G-C.
Other names: short protein forms D81H.
Identifiers: ClinVar variation 2551183 (VCV002551183.26), dbSNP rs1339584247, ClinGen allele CA395597217.

ClinVar aggregate classification (germline): Conflicting classifications of pathogenicity. Review status: criteria provided, conflicting classifications (1 of 4 stars). 2 submissions from 2 submitters: Uncertain significance (1); Likely benign (1). Last evaluated 2023-05-24.

Conditions:
Inborn genetic diseases. Identifiers: MedGen C0950123, MeSH D030342.

Allele frequency attached by ClinVar (database versions not stated): TOPMed 0.00001.

Submissions (2):

Ambry Genetics
Classification: Uncertain significance for Inborn genetic diseases. Last evaluated: 2023-05-24. Review status: criteria provided, single submitter. Criteria: Ambry Variant Classification Scheme 2023. Collection method: clinical testing. Allele origin: germline.

CeGaT Center for Human Genetics Tuebingen
Classification: Likely benign. Last evaluated: 2023-05-01. Review status: criteria provided, single submitter. Criteria: CeGaT Center For Human Genetics Tuebingen Variant Classification Criteria Version 2. Collection method: clinical testing. Allele origin: germline. Affected: yes. Observed: 1 variant allele.
Comment: SRCAP: BP1, BP4